The following is an entry in ClinVar:

NM_020529.3(NFKBIA):c.574A>G (p.Ile192Val)

Gene: NFKBIA (NFKB inhibitor alpha; minus strand). Cytogenetic location: 14q13.2.
Variant type: single nucleotide variant.
Coding change: c.574A>G on transcript NM_020529.3 (MANE Select); coding-DNA position 574, A replaced by G.
Protein change: p.Ile192Val; replaces isoleucine 192 with valine.
Molecular consequence: missense variant.
Genome position (GRCh38, 1-based): chr14:35,402,833, T>C on the plus strand (A>G on the coding strand, the complement: NFKBIA is on the minus strand). VCF-style: chr14-35402833-T-C. GRCh37 (hg19) VCF-style: chr14-35872039-T-C.
Other names: short protein forms I192V.
Identifiers: ClinVar variation 3723998 (VCV003723998.2).

ClinVar aggregate classification (germline): Uncertain significance (1 of 4 stars; one submission).

Conditions:
Ectodermal dysplasia and immunodeficiency 2. Identifiers: Orphanet 238468, Orphanet 98813, MedGen C2677481, MONDO:0012806, OMIM 612132.

gnomAD v4.1: 1 of 1,614,066 alleles (0.000062%); highest among the groups gnomAD compares: African/African-American, 0.0013%; no homozygotes.

Submission:

Labcorp Genetics (formerly Invitae), Labcorp
Classification: Uncertain significance for Ectodermal dysplasia and immunodeficiency 2. Last evaluated: 2024-09-09. Review status: criteria provided, single submitter. Criteria: Invitae Variant Classification Sherloc (09022015). Collection method: clinical testing. Allele origin: germline.
Comment: This sequence change replaces isoleucine, which is neutral and non-polar, with valine, which is neutral and non-polar, at codon 192 of the NFKBIA protein (p.Ile192Val). This variant is not present in population databases (gnomAD no frequency). This variant has not been reported in the literature in individuals affected with NFKBIA-related conditions. An algorithm developed to predict the effect of missense changes on protein structure and function (PolyPhen-2) suggests that this variant is likely to be tolerated. In summary, the available evidence is currently insufficient to determine the role of this variant in disease. Therefore, it has been classified as a Variant of Uncertain Significance.